The following is an entry in ClinVar:

NM_000543.5(SMPD1):c.1462A>G (p.Thr488Ala)

Gene: SMPD1 (sphingomyelin phosphodiesterase 1; plus strand). Cytogenetic location: 11p15.4.
Variant type: single nucleotide variant.
Coding change: c.1462A>G on transcript NM_000543.5 (MANE Select); coding-DNA position 1462, A replaced by G.
Protein change: p.Thr488Ala; replaces threonine 488 with alanine.
Molecular consequence: missense variant. On other transcripts: non-coding transcript variant (2).
Genome position (GRCh38, 1-based): chr11:6,394,017, A>G. VCF-style: chr11-6394017-A-G. GRCh37 (hg19) VCF-style: chr11-6415247-A-G.
Other names: c.1459A>G, p.Thr487Ala (NM_001007593.3); c.1462A>G, p.Thr488Ala (NM_001318087.2); c.541A>G, p.Thr181Ala (NM_001318088.2); c.1330A>G, p.Thr444Ala (NM_001365135.2); short protein forms T181A, T444A, T487A, T488A.
Identifiers: ClinVar variation 2577321 (VCV002577321.1), dbSNP rs1848064978, ClinGen allele CA379375504.

ClinVar aggregate classification (germline): Likely pathogenic (1 of 4 stars; one submission).

Conditions:
Sphingomyelin/cholesterol lipidosis. Also called: Niemann-Pick disease. Identifiers: MedGen C0028064, MONDO:0001982.

Submission:

Women's Health and Genetics/Laboratory Corporation of America, LabCorp
Classification: Likely pathogenic for Sphingomyelin/cholesterol lipidosis. Last evaluated: 2023-07-28. Review status: criteria provided, single submitter. Criteria: LabCorp Variant Classification Summary - May 2015. Collection method: clinical testing. Allele origin: germline.
Comment: Variant summary: SMPD1 c.1462A>G (p.Thr488Ala) results in a non-conservative amino acid change located in the metallophosphatase domain (IPR041805) of the encoded protein sequence. Five of five in-silico tools predict a damaging effect of the variant on protein function. The variant was absent in 251474 control chromosomes (gnomAD). c.1462A>G has been reported in the literature in at least one compound heterozygous individual affected with Niemann-Pick Disease, Type B (e.g., Rodriguez-Pascau_2009). Additionally, at least one publication reports experimental evidence evaluating an impact on protein function, finding that the variant results in <5% of normal enzymatic activity (e.g., Rodriquez-Pascau_2009). Protein structural modelling studies also suggest the variant would disrupt hydrogen bonding within the protein (e.g., Zhou_2016). The following publications have been ascertained in the context of this evaluation (PMID: 19405096, 27725636). No submitters have reported clinical-significance assessments for this variant to ClinVar after 2014. Based on the evidence outlined above, the variant was classified as likely pathogenic.

Literature cited by the submitters: PubMed 19405096; PubMed 27725636.